The following is an entry in ClinVar:

ClinVar aggregate classification (germline): Uncertain significance (1 of 4 stars; one submission).

Allele frequency attached by ClinVar (database versions not stated): TOPMed below 0.00001; ExAC 0.00002.
gnomAD v4.1: 2 of 1,612,466 alleles (0.00012%); highest among the groups gnomAD compares: Admixed American, 0.0017%; no homozygotes.

Submission:

Labcorp Genetics (formerly Invitae), Labcorp
Classification: Uncertain significance. Last evaluated: 2021-12-19. Review status: criteria provided, single submitter. Criteria: Invitae Variant Classification Sherloc (09022015). Collection method: clinical testing. Allele origin: germline.
Comment: This variant is present in population databases (rs769962697, gnomAD 0.006%). This sequence change replaces threonine, which is neutral and polar, with isoleucine, which is neutral and non-polar, at codon 900 of the AP3D1 protein (p.Thr900Ile). This variant has not been reported in the literature in individuals affected with AP3D1-related conditions. In summary, the available evidence is currently insufficient to determine the role of this variant in disease. Therefore, it has been classified as a Variant of Uncertain Significance. Algorithms developed to predict the effect of missense changes on protein structure and function (SIFT, PolyPhen-2, Align-GVGD) all suggest that this variant is likely to be tolerated.

NM_001261826.3(AP3D1):c.2699C>T (p.Thr900Ile)

Gene: AP3D1 (adaptor related protein complex 3 subunit delta 1; minus strand). Cytogenetic location: 19p13.3.
Variant type: single nucleotide variant.
Coding change: c.2699C>T on transcript NM_001261826.3 (MANE Select); coding-DNA position 2699, C replaced by T.
Protein change: p.Thr900Ile; replaces threonine 900 with isoleucine.
Molecular consequence: missense variant. On other transcripts: intron variant (2).
Genome position (GRCh38, 1-based): chr19:2,112,948, G>A on the plus strand (C>T on the coding strand, the complement: AP3D1 is on the minus strand). VCF-style: chr19-2112948-G-A. GRCh37 (hg19) VCF-style: chr19-2112947-G-A.
Other names: c.2602-1120C>T (NM_003938.8); c.2680-17C>T (NM_001374799.1); short protein forms T900I.
Identifiers: ClinVar variation 1924163 (VCV001924163.5), dbSNP rs769962697, ClinGen allele CA9058762.